The following is an entry in ClinVar:

ClinVar aggregate classification (germline): Uncertain significance (1 of 4 stars; one submission).

Conditions:
Primary open angle glaucoma (POAG). Also called: OPTN-related open angle glaucoma. Identifiers: MedGen C0339573, MONDO:0100553, OMIM 137760.
Glaucoma 1, open angle, E. Identifiers: MedGen C1842026, MONDO:0007665.
Amyotrophic lateral sclerosis type 12 (ALS12). Also called: AMYOTROPHIC LATERAL SCLEROSIS 12 WITH OR WITHOUT FRONTOTEMPORAL DEMENTIA. Identifiers: Orphanet 803, MedGen C3150692, MONDO:0013264, OMIM 613435.

gnomAD v4.1: 1 of 1,613,880 alleles (0.000062%); highest among the groups gnomAD compares: Non-Finnish European, 0.000085%; no homozygotes.

Submission:

Labcorp Genetics (formerly Invitae), Labcorp
Classification: Uncertain significance for Primary open angle glaucoma; Glaucoma 1, open angle, E; Amyotrophic lateral sclerosis type 12. Last evaluated: 2026-02-01. Review status: criteria provided, single submitter. Criteria: Invitae Variant Classification Sherloc (09022015). Collection method: clinical testing. Allele origin: germline.
Comment: This sequence change replaces leucine, which is neutral and non-polar, with arginine, which is basic and polar, at codon 48 of the OPTN protein (p.Leu48Arg). This variant is not present in population databases (gnomAD no frequency). This variant has not been reported in the literature in individuals affected with OPTN-related conditions. Invitae Evidence Modeling of protein sequence and biophysical properties (such as structural, functional, and spatial information, amino acid conservation, physicochemical variation, residue mobility, and thermodynamic stability) indicates that this missense variant is not expected to disrupt OPTN protein function with a negative predictive value of 80%. In summary, the available evidence is currently insufficient to determine the role of this variant in disease. Therefore, it has been classified as a Variant of Uncertain Significance.

NM_001008212.2(OPTN):c.143T>G (p.Leu48Arg)

Genes: OPTN (optineurin; plus strand), LOC108903148 (10p13 OPTN distal Alu-mediated recombination region; plus strand). Cytogenetic location: 10p13.
Variant type: single nucleotide variant.
Coding change: c.143T>G on transcript NM_001008212.2 (MANE Select); coding-DNA position 143, T replaced by G.
Protein change: p.Leu48Arg; replaces leucine 48 with arginine.
Molecular consequence: missense variant.
Genome position (GRCh38, 1-based): chr10:13,109,265, T>G. VCF-style: chr10-13109265-T-G. GRCh37 (hg19) VCF-style: chr10-13151265-T-G.
Other names: c.143T>G, p.Leu48Arg (NM_001008211.1, NM_001008213.1, NM_021980.4); short protein forms L48R.
Identifiers: ClinVar variation 4782970 (VCV004782970.1).
Genomic context (GRCh38, chr10:13,109,265, plus strand): 5'-CCCACCCAAACCTGGACACGTTTACCCCGGAGGAGCTGCTGCAGCAGATGAAAGAGCTCC[T>G]GACCGAGAACCACCAGCTGAAAGGTGAGCAGGGCTGGCCCCTGTGTGCCCCATTCATCCT-3'
Protein context (NP_001008213.1, residues 38-58): EELLQQMKEL[Leu48Arg]TENHQLKEAM